The following is an entry in ClinVar:

ClinVar aggregate classification (germline): Likely benign (0 of 4 stars; one submission).

Conditions:
CPE-related disorder. Also called: CPE-related condition.

gnomAD v4.1: 14 of 1,612,886 alleles (0.00087%); highest among the groups gnomAD compares: Middle Eastern, 0.033%; no homozygotes.

Submission:

PreventionGenetics, part of Exact Sciences
Classification: Likely benign for CPE-related condition. Last evaluated: 2024-03-25. Review status: no assertion criteria provided. Collection method: clinical testing. Allele origin: germline.
Comment: This variant is classified as likely benign based on ACMG/AMP sequence variant interpretation guidelines (Richards et al. 2015 PMID: 25741868, with internal and published modifications).

NM_001873.4(CPE):c.597C>T (p.Tyr199=)

Gene: CPE (carboxypeptidase E; plus strand). Cytogenetic location: 4q32.3.
Variant type: single nucleotide variant.
Coding change: c.597C>T on transcript NM_001873.4 (MANE Select); coding-DNA position 597, C replaced by T.
Protein change: p.Tyr199=; no amino-acid change (tyrosine 199 retained).
Molecular consequence: synonymous variant.
Genome position (GRCh38, 1-based): chr4:165,467,780, C>T. VCF-style: chr4-165467780-C-T. GRCh37 (hg19) VCF-style: chr4-166388932-C-T.
Identifiers: ClinVar variation 3351549 (VCV003351549.1).